The following is an entry in ClinVar:

ClinVar aggregate classification (germline): Uncertain significance (1 of 4 stars; one submission).

Conditions:
Cardiomyopathy (CMYO). Also called: Cardiomyopathies. Identifiers: Orphanet 167848, MedGen C0878544, MONDO:0004994, HP:0001638. Inheritance: Various modes of inheritance.

Allele frequency attached by ClinVar (database versions not stated): gnomAD exomes below 0.00001.
gnomAD v4.1: 1 of 1,613,484 alleles (0.000062%); highest among the groups gnomAD compares: Non-Finnish European, 0.000085%; no homozygotes.

Submission:

Color Diagnostics, LLC DBA Color Health
Classification: Uncertain significance for Cardiomyopathy. Last evaluated: 2023-12-11. Review status: criteria provided, single submitter. Criteria: ACMG Guidelines, 2015. Collection method: clinical testing. Allele origin: germline.
Comment: This missense variant replaces asparagine with serine at codon 57 of the RYR2 protein. Computational prediction is inconclusive regarding the impact of this variant on protein structure and function (internally defined REVEL score threshold 0.5 < inconclusive < 0.7, PMID: 27666373). To our knowledge, functional studies have not been reported for this variant. This variant has not been reported in individuals affected with RYR2-related disorders in the literature. This variant has been identified in 1/249182 chromosomes in the general population by the Genome Aggregation Database (gnomAD). The available evidence is insufficient to determine the role of this variant in disease conclusively. Therefore, this variant is classified as a Variant of Uncertain Significance.

NM_001035.3(RYR2):c.170A>G (p.Asn57Ser)

Gene: RYR2 (ryanodine receptor 2; plus strand). Cytogenetic location: 1q43.
Variant type: single nucleotide variant.
Coding change: c.170A>G on transcript NM_001035.3 (MANE Select); coding-DNA position 170, A replaced by G.
Protein change: p.Asn57Ser; replaces asparagine 57 with serine.
Molecular consequence: missense variant.
Genome position (GRCh38, 1-based): chr1:237,330,879, A>G. VCF-style: chr1-237330879-A-G. GRCh37 (hg19) VCF-style: chr1-237494179-A-G.
Other names: short protein forms N57S.
Identifiers: ClinVar variation 2774232 (VCV002774232.2), dbSNP rs1312732364, ClinGen allele CA345654539.